The following is an entry in ClinVar:

NM_000154.2(GALK1):c.98C>G (p.Ser33Ter)

Gene: GALK1 (galactokinase 1; minus strand). Cytogenetic location: 17q25.1.
Variant type: single nucleotide variant.
Coding change: c.98C>G on transcript NM_000154.2 (MANE Select); coding-DNA position 98, C replaced by G.
Protein change: p.Ser33Ter; replaces serine 33 with a stop codon.
Molecular consequence: nonsense.
Genome position (GRCh38, 1-based): chr17:75,765,039, G>C on the plus strand (C>G on the coding strand, the complement: GALK1 is on the minus strand). VCF-style: chr17-75765039-G-C. GRCh37 (hg19) VCF-style: chr17-73761120-G-C.
Other names: c.98C>G, p.Ser33Ter (NM_001381985.1); c.98C>G (NM_000154.1); short protein forms S33*.
Identifiers: ClinVar variation 3018678 (VCV003018678.6), dbSNP rs756290185, ClinGen allele CA8771143.

ClinVar aggregate classification (germline): Pathogenic/Likely pathogenic. Review status: criteria provided, multiple submitters, no conflicts (2 of 4 stars). 3 submissions from 3 submitters: Pathogenic (2); Likely pathogenic (1). Last evaluated 2025-03-31.

Conditions:
Deficiency of galactokinase. Also called: GALACTOSEMIA II; Galactokinase deficiency with cataracts. Identifiers: Orphanet 352, Orphanet 79237, MedGen C0268155, MONDO:0009255, OMIM 230200.

Allele frequency attached by ClinVar (database versions not stated): gnomAD exomes below 0.00001; ExAC 0.00001.
gnomAD v4.1: 1 of 1,608,950 alleles (0.000062%); highest among the groups gnomAD compares: Non-Finnish European, 0.000085%; no homozygotes.

Submissions (3):

Myriad Genetics, Inc.
Classification: Pathogenic for Deficiency of galactokinase. Last evaluated: 2025-03-31. Review status: criteria provided, single submitter. Criteria: Myriad Autosomal Dominant, Autosomal Recessive and X-Linked Classification Criteria (2023). Collection method: clinical testing. Allele origin: unknown.
Comment: NM_000154.1(GALK1):c.98C>G(S33*) is a nonsense variant classified as pathogenic in the context of galactokinase deficiency. S33* has not been observed in cases with relevant disease. Relevant functional assessments of this variant are not available in the literature. S33* has been observed in referenced population frequency databases. In summary, NM_000154.1(GALK1):c.98C>G(S33*) is a nonsense variant in a gene where loss of function is a known mechanism of disease and is predicted to disrupt protein function. Please note: this variant was assessed in the context of healthy population screening.

Natera, Inc.
Classification: Likely pathogenic for Deficiency of galactokinase. Last evaluated: 2025-01-09. Review status: criteria provided, single submitter. Criteria: Natera Variant Classification Schema (03/2026). Collection method: clinical testing. Allele origin: germline.
Comment: The c.98C>G variant in GALK1 is a nonsense variant predicted to introduce a stop codon at amino acid 33. This variant is expected to result in nonsense mediated decay, truncation, or a dysfunctional protein product. This variant is rare in the general population with a frequency below the threshold expected for the associated phenotype(s). Given the available evidence, this variant is classified as Likely Pathogenic.

Labcorp Genetics (formerly Invitae), Labcorp
Classification: Pathogenic for Deficiency of galactokinase. Last evaluated: 2023-01-07. Review status: criteria provided, single submitter. Criteria: Invitae Variant Classification Sherloc (09022015). Collection method: clinical testing. Allele origin: germline.
Comment: For these reasons, this variant has been classified as Pathogenic. This variant has not been reported in the literature in individuals affected with GALK1-related conditions. The frequency data for this variant in the population databases is considered unreliable, as metrics indicate poor data quality at this position in the gnomAD database. This sequence change creates a premature translational stop signal (p.Ser33*) in the GALK1 gene. It is expected to result in an absent or disrupted protein product. Loss-of-function variants in GALK1 are known to be pathogenic (PMID: 7670469, 10790206).

Literature cited by the submitters: PubMed 7670469 (cited by Labcorp Genetics (formerly Invitae), Labcorp); PubMed 10790206 (cited by Labcorp Genetics (formerly Invitae), Labcorp).